The following is an entry in ClinVar:

NM_006946.4(SPTBN2):c.7083C>T (p.Val2361=)

Gene: SPTBN2 (spectrin beta, non-erythrocytic 2; minus strand). Cytogenetic location: 11q13.2.
Variant type: single nucleotide variant.
Coding change: c.7083C>T on transcript NM_006946.4 (MANE Select); coding-DNA position 7083, C replaced by T.
Protein change: p.Val2361=; no amino-acid change (valine 2361 retained).
Molecular consequence: synonymous variant.
Genome position (GRCh38, 1-based): chr11:66,685,961, G>A on the plus strand (C>T on the coding strand, the complement: SPTBN2 is on the minus strand). VCF-style: chr11-66685961-G-A. GRCh37 (hg19) VCF-style: chr11-66453432-G-A.
Identifiers: ClinVar variation 737571 (VCV000737571.14), dbSNP rs200262256, ClinGen allele CA6127642.

ClinVar aggregate classification (germline): Likely benign. Review status: criteria provided, multiple submitters, no conflicts (2 of 4 stars). 2 submissions from 2 submitters: Likely benign (2). Last evaluated 2026-03-01.

Allele frequency attached by ClinVar (database versions not stated): ExAC 0.00001; gnomAD 0.00002 and 0.00003; TOPMed 0.00002; gnomAD exomes 0.00003 and 0.00004.
gnomAD v4.1: 68 of 1,613,642 alleles (0.0042%); highest among the groups gnomAD compares: Admixed American, 0.018%; no homozygotes.

Submissions (2):

CeGaT Center for Human Genetics Tuebingen
Classification: Likely benign. Last evaluated: 2026-03-01. Review status: criteria provided, single submitter. Criteria: CeGaT Center For Human Genetics Tuebingen Variant Classification Criteria Version 2. Collection method: clinical testing. Allele origin: germline. Affected: yes. Observed: 2 variant alleles.
Comment: SPTBN2: BP4, BP7

Labcorp Genetics (formerly Invitae), Labcorp
Classification: Likely benign. Last evaluated: 2023-09-29. Review status: criteria provided, single submitter. Criteria: Invitae Variant Classification Sherloc (09022015). Collection method: clinical testing. Allele origin: germline.